The following is an entry in ClinVar:

ClinVar aggregate classification (germline): Benign/Likely benign. Review status: criteria provided, multiple submitters, no conflicts (2 of 4 stars). 11 submissions from 11 submitters: Benign (7); Likely benign (2). 2 of the submissions do not count toward it. Last evaluated 2026-02-03.

Conditions:
Cardiovascular phenotype. Identifiers: MedGen CN230736.
Catecholaminergic polymorphic ventricular tachycardia 5 (CARDAR). Also called: Ventricular tachycardia, catecholaminergic polymorphic, 5, with or without muscle weakness; CARDIAC ARRHYTHMIA SYNDROME, WITH OR WITHOUT SKELETAL MUSCLE WEAKNESS. Identifiers: Orphanet 3286, MedGen C3809536, MONDO:0014191, OMIM 615441.
Catecholaminergic polymorphic ventricular tachycardia 1. Also called: VENTRICULAR TACHYCARDIA, STRESS-INDUCED POLYMORPHIC 1; VENTRICULAR TACHYCARDIA, CATECHOLAMINERGIC POLYMORPHIC, 1, WITH OR WITHOUT ATRIAL DYSFUNCTION AND/OR DILATED CARDIOMYOPATHY; RYR2-Related Catecholaminergic Polymorphic Ventricular Tachycardia. Identifiers: Orphanet 3286, MedGen C1631597, MONDO:0011484, OMIM 604772.

Allele frequency attached by ClinVar (database versions not stated): gnomAD exomes 0.00539 and 0.01511; ESP Exome Variant Server 0.01134; gnomAD 0.01556 and 0.01748; TOPMed 0.01615; ExAC 0.03435; 1000 Genomes Project 0.03994; 1000 Genomes Project 30x 0.04122.
gnomAD v4.1: 7,524 of 1,054,006 alleles (0.71%); highest among the groups gnomAD compares: South Asian, 6.3%; 238 homozygotes.

Submissions (11):

Labcorp Genetics (formerly Invitae), Labcorp
Classification: Benign for Catecholaminergic polymorphic ventricular tachycardia 1. Last evaluated: 2026-02-03. Review status: criteria provided, single submitter. Criteria: Invitae Variant Classification Sherloc (09022015). Collection method: clinical testing. Allele origin: germline.

ARUP Laboratories, Molecular Genetics and Genomics, ARUP Laboratories
Classification: Benign for Catecholaminergic polymorphic ventricular tachycardia 5. Last evaluated: 2025-06-02. Review status: criteria provided, single submitter. Criteria: ARUP Molecular Germline Variant Investigation Process 2024. Collection method: clinical testing. Allele origin: germline.

Molecular Diagnostic Laboratory for Inherited Cardiovascular Disease, Montreal Heart Institute
Classification: Likely benign. Last evaluated: 2025-04-09. Review status: criteria provided, single submitter. Criteria: ACMG Guidelines, 2015. Collection method: clinical testing. Allele origin: germline. Affected: no.

Women's Health and Genetics/Laboratory Corporation of America, LabCorp
Classification: Likely benign. Last evaluated: 2024-02-25. Review status: criteria provided, single submitter. Criteria: LabCorp Variant Classification Summary - May 2015. Collection method: clinical testing. Allele origin: germline.

Mayo Clinic Laboratories, Mayo Clinic
Classification: Benign. Last evaluated: 2023-04-24. Review status: criteria provided, single submitter. Criteria: ACMG Guidelines, 2015. Collection method: clinical testing. Allele origin: germline. Observed: 17 variant alleles.

GeneDx
Classification: Benign. Last evaluated: 2016-10-06. Review status: criteria provided, single submitter. Criteria: GeneDx Variant Classification (06012015). Collection method: clinical testing. Allele origin: germline. Affected: yes.
Comment: This variant is considered likely benign or benign based on one or more of the following criteria: it is a conservative change, it occurs at a poorly conserved position in the protein, it is predicted to be benign by multiple in silico algorithms, and/or has population frequency not consistent with disease.

Ambry Genetics
Classification: Benign for Cardiovascular phenotype. Last evaluated: 2015-05-11. Review status: criteria provided, single submitter. Criteria: Ambry Variant Classification Scheme 2023. Collection method: clinical testing. Allele origin: germline.

Laboratory for Molecular Medicine, Mass General Brigham Personalized Medicine
Classification: Benign. Last evaluated: 2014-11-24. Review status: criteria provided, single submitter. Criteria: LMM Criteria. Collection method: clinical testing. Allele origin: germline. Observed: 12 variant alleles.
Comment: Ile540Met in exon 28 of TRDN: This variant is not expected to have clinical sign ificance because it has been identified in 3.5% (86/2472) of African American ch romosomes from a broad population by the NHLBI Exome Sequencing Project (dbSNP rs7771303).

PreventionGenetics, part of Exact Sciences
Classification: Benign. Review status: criteria provided, single submitter. Criteria: ACMG Guidelines, 2015. Collection method: clinical testing. Allele origin: germline.

Clinical Genetics, Academic Medical Center
Classification: Benign. Review status: no assertion criteria provided. Collection method: clinical testing. Allele origin: germline. Affected: yes. Study: VKGL Data-share Consensus. Not counted in ClinVar's aggregate classification.

Joint Genome Diagnostic Labs from Nijmegen and Maastricht, Radboudumc and MUMC+
Classification: Likely benign. Review status: no assertion criteria provided. Collection method: clinical testing. Allele origin: germline. Affected: yes. Study: VKGL Data-share Consensus. Not counted in ClinVar's aggregate classification.

NM_006073.4(TRDN):c.1620A>G (p.Ile540Met)

Gene: TRDN (triadin; minus strand). Cytogenetic location: 6q22.31.
Variant type: single nucleotide variant.
Coding change: c.1620A>G on transcript NM_006073.4 (MANE Select); coding-DNA position 1620, A replaced by G.
Protein change: p.Ile540Met; replaces isoleucine 540 with methionine.
Molecular consequence: missense variant.
Genome position (GRCh38, 1-based): chr6:123,273,341, T>C on the plus strand (A>G on the coding strand, the complement: TRDN is on the minus strand). VCF-style: chr6-123273341-T-C. GRCh37 (hg19) VCF-style: chr6-123594486-T-C.
Other names: short protein forms I540M.
Identifiers: ClinVar variation 227115 (VCV000227115.36), dbSNP rs7771303, ClinGen allele CA3983835.